The following is an entry in ClinVar:

NM_001110556.2(FLNA):c.933T>G (p.Ala311=)

Gene: FLNA (filamin A; minus strand). Cytogenetic location: Xq28.
Variant type: single nucleotide variant.
Coding change: c.933T>G on transcript NM_001110556.2 (MANE Select); coding-DNA position 933, T replaced by G.
Protein change: p.Ala311=; no amino-acid change (alanine 311 retained).
Molecular consequence: synonymous variant.
Genome position (GRCh38, 1-based): chrX:154,366,786, A>C on the plus strand (T>G on the coding strand, the complement: FLNA is on the minus strand). VCF-style: chrX-154366786-A-C. GRCh37 (hg19) VCF-style: chrX-153595154-A-C.
Other names: c.933T>G (NM_001110556.1); c.933T>G, p.Ala311= (NM_001456.4).
Identifiers: ClinVar variation 465026 (VCV000465026.15), dbSNP rs782592312, ClinGen allele CA10561326.

ClinVar aggregate classification (germline): Likely benign. Review status: criteria provided, multiple submitters, no conflicts (2 of 4 stars). 5 submissions from 5 submitters: Likely benign (4). 1 of the submissions does not count toward it. Last evaluated 2025-11-05.

Conditions:
Oto-palato-digital syndrome, type II (OPD2). Also called: FACIOPALATOOSSEOUS SYNDROME; Otopalatodigital Syndrome Type 2 (FLNA-OPD2); OPD II SYNDROME; Otopalatodigital Syndrome, Type II. Identifiers: Orphanet 669, Orphanet 90652, MedGen C1844696, MONDO:0010571, OMIM 304120.
Frontometaphyseal dysplasia (FMD1). Identifiers: Orphanet 1826, MedGen C0265293, MONDO:0015942.
Melnick-Needles syndrome (MNS). Also called: Melnick-Needles Syndrome (FLNA-MNS); MELNICK-NEEDLES OSTEODYSPLASTY; OSTEODYSPLASTY OF MELNICK AND NEEDLES. Identifiers: Orphanet 2484, MedGen C0025237, MONDO:0010650, OMIM 309350.
Heterotopia, periventricular, X-linked dominant (PVNH1). Also called: PERIVENTRICULAR NODULAR HETEROTOPIA 1; X-linked periventricular heterotopia; PERIVENTRICULAR NODULAR HETEROTOPIA 4; HETEROTOPIA, PERIVENTRICULAR, 1. Identifiers: Orphanet 2149, Orphanet 82004, MedGen C1848213, MONDO:0010233, OMIM 300049.
Familial thoracic aortic aneurysm and aortic dissection (TAAD). Also called: Thoracic aortic aneurysms and dissections. Identifiers: Orphanet 91387, MedGen C4707243, MONDO:0019625.
FLNA-related disorder.

Allele frequency attached by ClinVar (database versions not stated): ExAC 0.00001.
gnomAD v4.1: 8 of 1,211,634 alleles (0.00066%); highest among the groups gnomAD compares: Non-Finnish European, 0.00089%; no homozygotes.

Submissions (5):

Labcorp Genetics (formerly Invitae), Labcorp
Classification: Likely benign for Oto-palato-digital syndrome, type II; Heterotopia, periventricular, X-linked dominant; Frontometaphyseal dysplasia; Melnick-Needles syndrome. Last evaluated: 2025-11-05. Review status: criteria provided, single submitter. Criteria: Invitae Variant Classification Sherloc (09022015). Collection method: clinical testing. Allele origin: germline.

Ambry Genetics
Classification: Likely benign for Familial thoracic aortic aneurysm and aortic dissection. Last evaluated: 2025-02-13. Review status: criteria provided, single submitter. Criteria: Ambry Variant Classification Scheme 2023. Collection method: clinical testing. Allele origin: germline.

Women's Health and Genetics/Laboratory Corporation of America, LabCorp
Classification: Likely benign. Last evaluated: 2024-05-20. Review status: criteria provided, single submitter. Criteria: LabCorp Variant Classification Summary - May 2015. Collection method: clinical testing. Allele origin: germline.

Blueprint Genetics
Classification: Likely benign. Last evaluated: 2023-11-15. Review status: criteria provided, single submitter. Criteria: ACMG Guidelines, 2015. Collection method: clinical testing. Allele origin: germline.

PreventionGenetics, part of Exact Sciences
Classification: Likely benign for FLNA-related condition. Last evaluated: 2023-01-11. Review status: no assertion criteria provided. Collection method: clinical testing. Allele origin: germline. Not counted in ClinVar's aggregate classification.
Comment: This variant is classified as likely benign based on ACMG/AMP sequence variant interpretation guidelines (Richards et al. 2015 PMID: 25741868, with internal and published modifications).